The following is an entry in ClinVar:

NM_001204.7(BMPR2):c.2251C>G (p.Leu751Val)

Gene: BMPR2 (bone morphogenetic protein receptor type 2; plus strand). Cytogenetic location: 2q33.2.
Variant type: single nucleotide variant.
Coding change: c.2251C>G on transcript NM_001204.7 (MANE Select); coding-DNA position 2251, C replaced by G.
Protein change: p.Leu751Val; replaces leucine 751 with valine.
Molecular consequence: missense variant.
Genome position (GRCh38, 1-based): chr2:202,555,916, C>G. VCF-style: chr2-202555916-C-G. GRCh37 (hg19) VCF-style: chr2-203420639-C-G.
Other names: short protein forms L751V.
Identifiers: ClinVar variation 3992049 (VCV003992049.2).

ClinVar aggregate classification (germline): Conflicting classifications of pathogenicity. Review status: criteria provided, conflicting classifications (1 of 4 stars). 2 submissions from 2 submitters: Uncertain significance (1); Benign (1). Last evaluated 2025-03-22.

Conditions:
Inborn genetic diseases. Identifiers: MedGen C0950123, MeSH D030342.
Primary pulmonary hypertension. Also called: Idiopathic pulmonary hypertension. Identifiers: MedGen C0152171.

gnomAD v4.1: 7 of 1,614,054 alleles (0.00043%); highest among the groups gnomAD compares: African/African-American, 0.004%; no homozygotes.

Submissions (2):

Ambry Genetics
Classification: Uncertain significance for Inborn genetic diseases. Last evaluated: 2025-03-22. Review status: criteria provided, single submitter. Criteria: Ambry Variant Classification Scheme 2023. Collection method: clinical testing. Allele origin: germline.
Comment: The p.L751V variant (also known as c.2251C>G), located in coding exon 12 of the BMPR2 gene, results from a C to G substitution at nucleotide position 2251. The leucine at codon 751 is replaced by valine, an amino acid with highly similar properties. This amino acid position is conserved. In addition, the in silico prediction for this alteration is inconclusive. Based on the available evidence, the clinical significance of this variant remains unclear.

Labcorp Genetics (formerly Invitae), Labcorp
Classification: Benign for Primary pulmonary hypertension. Last evaluated: 2025-02-09. Review status: criteria provided, single submitter. Criteria: Invitae Variant Classification Sherloc (09022015). Collection method: clinical testing. Allele origin: germline.